The following is an entry in ClinVar:

NM_001142800.2(EYS):c.5681T>C (p.Leu1894Pro)

Gene: EYS (eyes shut homolog; minus strand). Cytogenetic location: 6q12.
Variant type: single nucleotide variant.
Coding change: c.5681T>C on transcript NM_001142800.2 (MANE Select); coding-DNA position 5681, T replaced by C.
Protein change: p.Leu1894Pro; replaces leucine 1894 with proline.
Molecular consequence: missense variant.
Genome position (GRCh38, 1-based): chr6:64,439,316, A>G on the plus strand (T>C on the coding strand, the complement: EYS is on the minus strand). VCF-style: chr6-64439316-A-G. GRCh37 (hg19) VCF-style: chr6-65149209-A-G.
Other names: c.5681T>C, p.Leu1894Pro (NM_001292009.2); short protein forms L1894P.
Identifiers: ClinVar variation 949503 (VCV000949503.8), dbSNP rs780566602, ClinGen allele CA3876989.

ClinVar aggregate classification (germline): Uncertain significance. Review status: criteria provided, single submitter (1 of 4 stars). 2 submissions from 2 submitters: Uncertain significance (1). 1 of the submissions does not count toward it. Last evaluated 2022-03-10.

Conditions:
Retinitis pigmentosa 25 (RP25). Identifiers: Orphanet 791, MedGen C1864446, MONDO:0011272, OMIM 602772.

Allele frequency attached by ClinVar (database versions not stated): gnomAD 0.00001; gnomAD exomes 0.00001 and 0.00002; TOPMed 0.00002; ExAC 0.00005.
gnomAD v4.1: 20 of 1,515,932 alleles (0.0013%); highest among the groups gnomAD compares: Non-Finnish European, 0.0017%; no homozygotes.

Submissions (2):

Labcorp Genetics (formerly Invitae), Labcorp
Classification: Uncertain significance. Last evaluated: 2022-03-10. Review status: criteria provided, single submitter. Criteria: Invitae Variant Classification Sherloc (09022015). Collection method: clinical testing. Allele origin: germline.
Comment: This sequence change replaces leucine, which is neutral and non-polar, with proline, which is neutral and non-polar, at codon 1894 of the EYS protein (p.Leu1894Pro). The frequency data for this variant in the population databases is considered unreliable, as metrics indicate poor data quality at this position in the gnomAD database. This missense change has been observed in individual(s) with clinical features of retinitis pigmentosa (PMID: 25097241). ClinVar contains an entry for this variant (Variation ID: 949503). Algorithms developed to predict the effect of missense changes on protein structure and function are either unavailable or do not agree on the potential impact of this missense change (SIFT: "Deleterious"; PolyPhen-2: "Probably Damaging"; Align-GVGD: "Class C0"). In summary, the available evidence is currently insufficient to determine the role of this variant in disease. Therefore, it has been classified as a Variant of Uncertain Significance.

Natera, Inc.
Classification: Uncertain significance for Retinitis pigmentosa type 25. Last evaluated: 2020-06-15. Review status: no assertion criteria provided. Collection method: clinical testing. Allele origin: germline. Not counted in ClinVar's aggregate classification.

Literature cited by the submitters: PubMed 25097241 (cited by Labcorp Genetics (formerly Invitae), Labcorp).